The following is an entry in ClinVar:

NM_001849.4(COL6A2):c.84G>A (p.Pro28=)

Gene: COL6A2 (collagen type VI alpha 2 chain; plus strand). Cytogenetic location: 21q22.3.
Variant type: single nucleotide variant.
Coding change: c.84G>A on transcript NM_001849.4 (MANE Select); coding-DNA position 84, G replaced by A.
Protein change: p.Pro28=; no amino-acid change (proline 28 retained).
Molecular consequence: synonymous variant.
Genome position (GRCh38, 1-based): chr21:46,111,560, G>A. VCF-style: chr21-46111560-G-A. GRCh37 (hg19) VCF-style: chr21-47531474-G-A.
Other names: c.84G>A, p.Pro28= (NM_058174.3, NM_058175.3).
Identifiers: ClinVar variation 283330 (VCV000283330.24), dbSNP rs140890046, ClinGen allele CA10071173.

ClinVar aggregate classification (germline): Conflicting classifications of pathogenicity. Review status: criteria provided, conflicting classifications (1 of 4 stars). 7 submissions from 7 submitters: Uncertain significance (1); Likely benign (5). 1 of the submissions does not count toward it. Last evaluated 2026-03-11.

Conditions:
COL6A2-related disorder.
Collagen 6-related myopathy. Identifiers: MedGen CN117976, MONDO:0100225.
Bethlem myopathy 1A. Also called: Bethlem myopathy 1; MYOPATHY, BENIGN CONGENITAL, WITH CONTRACTURES; Bethlem Muscular Dystrophy. Identifiers: Orphanet 610, MedGen CN029274, MONDO:0024530, OMIM 158810.

Allele frequency attached by ClinVar (database versions not stated): gnomAD exomes 0.00016; TOPMed 0.00022; ESP Exome Variant Server 0.00023; gnomAD 0.00024 and 0.00026.
gnomAD v4.1: 274 of 1,612,710 alleles (0.017%); highest among the groups gnomAD compares: Admixed American, 0.058%; 1 homozygote.

Submissions (7):

Women's Health and Genetics/Laboratory Corporation of America, LabCorp
Classification: Likely benign. Last evaluated: 2026-03-11. Review status: criteria provided, single submitter. Criteria: LabCorp Variant Classification Summary - May 2015. Collection method: clinical testing. Allele origin: germline.

Labcorp Genetics (formerly Invitae), Labcorp
Classification: Likely benign for Bethlem myopathy 1A. Last evaluated: 2025-12-08. Review status: criteria provided, single submitter. Criteria: Invitae Variant Classification Sherloc (09022015). Collection method: clinical testing. Allele origin: germline.

Blueprint Genetics
Classification: Likely benign. Last evaluated: 2023-10-17. Review status: criteria provided, single submitter. Criteria: ACMG Guidelines, 2015. Collection method: clinical testing. Allele origin: germline.

Illumina Laboratory Services, Illumina
Classification: Likely benign for Collagen VI-related myopathy. Last evaluated: 2018-01-12. Review status: criteria provided, single submitter. Criteria: ICSL Variant Classification Criteria 13 December 2019. Collection method: clinical testing. Allele origin: germline.
Comment: This variant was observed in the ICSL laboratory as part of a predisposition screen in an ostensibly healthy population. It had not been previously curated by ICSL or reported in the Human Gene Mutation Database (HGMD: prior to June 1st, 2018), and was therefore a candidate for classification through an automated scoring system. Utilizing variant allele frequency, disease prevalence and penetrance estimates, and inheritance mode, an automated score was calculated to assess if this variant is too frequent to cause the disease. Based on the score and internal cut-off values, a variant classified as likely benign is not then subjected to further curation. The score for this variant resulted in a classification of likely benign for this disease.

Eurofins Ntd Llc (ga)
Classification: Uncertain significance. Last evaluated: 2017-09-25. Review status: criteria provided, single submitter. Criteria: EGL Classification Definitions 2015. Collection method: clinical testing. Allele origin: germline. Observed: 3 variant alleles, 3 heterozygotes.

GeneDx
Classification: Likely benign. Last evaluated: 2016-11-04. Review status: criteria provided, single submitter. Criteria: GeneDx Variant Classification (06012015). Collection method: clinical testing. Allele origin: germline. Affected: yes.
Comment: This variant is considered likely benign or benign based on one or more of the following criteria: it is a conservative change, it occurs at a poorly conserved position in the protein, it is predicted to be benign by multiple in silico algorithms, and/or has population frequency not consistent with disease.

PreventionGenetics, part of Exact Sciences
Classification: Likely benign for COL6A2-related condition. Last evaluated: 2022-08-05. Review status: no assertion criteria provided. Collection method: clinical testing. Allele origin: germline. Not counted in ClinVar's aggregate classification.
Comment: This variant is classified as likely benign based on ACMG/AMP sequence variant interpretation guidelines (Richards et al. 2015 PMID: 25741868, with internal and published modifications).